The following is an entry in ClinVar:

NM_001999.4(FBN2):c.8138C>T (p.Thr2713Met)

Gene: FBN2 (fibrillin 2; minus strand). Cytogenetic location: 5q23.3.
Variant type: single nucleotide variant.
Coding change: c.8138C>T on transcript NM_001999.4 (MANE Select); coding-DNA position 8138, C replaced by T.
Protein change: p.Thr2713Met; replaces threonine 2713 with methionine.
Molecular consequence: missense variant.
Genome position (GRCh38, 1-based): chr5:128,263,479, G>A on the plus strand (C>T on the coding strand, the complement: FBN2 is on the minus strand). VCF-style: chr5-128263479-G-A. GRCh37 (hg19) VCF-style: chr5-127599171-G-A.
Other names: short protein forms T2713M.
Identifiers: ClinVar variation 1253794 (VCV001253794.5), dbSNP rs754101758, ClinGen allele CA3393914.

ClinVar aggregate classification (germline): Conflicting classifications of pathogenicity. Review status: criteria provided, conflicting classifications (1 of 4 stars). 2 submissions from 2 submitters: Uncertain significance (1); Likely benign (1). Last evaluated 2023-04-07.

Conditions:
Congenital contractural arachnodactyly (CCA). Also called: Beals-Hecht syndrome; BEALS SYNDROME; Arthrogryposis, distal, type 9. Identifiers: Orphanet 115, MedGen C0220668, MONDO:0007363, OMIM 121050.

Allele frequency attached by ClinVar (database versions not stated): TOPMed 0.00001.
gnomAD v4.1: 16 of 1,613,960 alleles (0.00099%); highest among the groups gnomAD compares: Admixed American, 0.01%; no homozygotes.

Submissions (2):

Labcorp Genetics (formerly Invitae), Labcorp
Classification: Likely benign for Congenital contractural arachnodactyly. Last evaluated: 2023-04-07. Review status: criteria provided, single submitter. Criteria: Invitae Variant Classification Sherloc (09022015). Collection method: clinical testing. Allele origin: germline.

GeneDx
Classification: Uncertain significance. Last evaluated: 2021-08-24. Review status: criteria provided, single submitter. Criteria: GeneDx Variant Classification Process June 2021. Collection method: clinical testing. Allele origin: germline. Affected: yes.
Comment: Has not been previously published as pathogenic or benign to our knowledge; In silico analysis supports that this missense variant has a deleterious effect on protein structure/function; Although located in a calcium-binding EGF-like domain of the FBN2 gene, it does not affect a cysteine residue within this domain; cysteine substitutions in the calcium-binding EGF-like domains represent the majority of pathogenic missense changes associated with FBN2-related disorders (Frederic et al., 2009).